The following is an entry in ClinVar:

ClinVar aggregate classification (germline): Conflicting classifications of pathogenicity. Review status: criteria provided, conflicting classifications (1 of 4 stars). 10 submissions from 10 submitters: Uncertain significance (5); Benign (1); Likely benign (2). 2 of the submissions do not count toward it. Last evaluated 2025-11-10.

Conditions:
Hereditary cancer-predisposing syndrome. Also called: Hereditary Cancer Syndrome; Tumor predisposition; Neoplastic Syndromes, Hereditary; Hereditary neoplastic syndrome. Identifiers: Orphanet 140162, MedGen C0027672, MeSH D009386, MONDO:0015356.
Hereditary breast ovarian cancer syndrome. Also called: Breast and ovarian cancer; BRCA1- and BRCA2-Associated Hereditary Breast and Ovarian Cancer; Hereditary breast and ovarian cancer; Hereditary breast and ovarian cancer syndrome (HBOC); Hereditary breast and ovarian cancer syndrome; Hereditary breast and/or ovarian cancer syndrome. Identifiers: Orphanet 145, MedGen C0677776, MeSH D061325, MONDO:0003582. Disease mechanism: loss of function.
Breast-ovarian cancer, familial, susceptibility to, 2 (BROVCA2). Also called: BRCA2 Hereditary Breast and Ovarian Cancer. Identifiers: Orphanet 145, MedGen C2675520, MONDO:0012933, OMIM 612555. Disease mechanism: loss of function.

gnomAD v4.1: 5 of 1,613,026 alleles (0.00031%); highest among the groups gnomAD compares: African/African-American, 0.0013%; no homozygotes.

Submissions (10):

Labcorp Genetics (formerly Invitae), Labcorp
Classification: Uncertain significance for Hereditary breast ovarian cancer syndrome. Last evaluated: 2025-11-10. Review status: criteria provided, single submitter. Criteria: Invitae Variant Classification Sherloc (09022015). Collection method: clinical testing. Allele origin: germline.
Comment: This sequence change replaces threonine, which is neutral and polar, with alanine, which is neutral and non-polar, at codon 582 of the BRCA2 protein (p.Thr582Ala). This variant is not present in population databases (gnomAD no frequency). This variant has not been reported in the literature in individuals affected with BRCA2-related conditions. ClinVar contains an entry for this variant (Variation ID: 51181). Invitae Evidence Modeling of protein sequence and biophysical properties (such as structural, functional, and spatial information, amino acid conservation, physicochemical variation, residue mobility, and thermodynamic stability) indicates that this missense variant is not expected to disrupt BRCA2 protein function with a negative predictive value of 95%. In summary, the available evidence is currently insufficient to determine the role of this variant in disease. Therefore, it has been classified as a Variant of Uncertain Significance.

GeneDx
Classification: Uncertain significance. Last evaluated: 2025-04-16. Review status: criteria provided, single submitter. Criteria: GeneDx Variant Classification Process June 2021. Collection method: clinical testing. Allele origin: germline. Affected: yes.
Comment: Not observed at significant frequency in large population cohorts (gnomAD); In silico analysis indicates that this missense variant does not alter protein structure/function; Also known as 1972A>G; This variant is associated with the following publications: (PMID: 31131967, 24817641, 32377563, 29884841, 39609110, 38153744)

CeGaT Center for Human Genetics Tuebingen
Classification: Uncertain significance. Last evaluated: 2024-11-01. Review status: criteria provided, single submitter. Criteria: CeGaT Center For Human Genetics Tuebingen Variant Classification Criteria Version 2. Collection method: clinical testing. Allele origin: germline. Affected: yes. Observed: 4 variant alleles.
Comment: BRCA2: PM2, BP1, BP4

Quest Diagnostics Nichols Institute San Juan Capistrano
Classification: Uncertain significance. Last evaluated: 2024-09-27. Review status: criteria provided, single submitter. Criteria: Quest Diagnostics criteria. Collection method: clinical testing. Allele origin: unknown.
Comment: The BRCA2 c.1744A>G (p.Thr582Ala) variant has been reported in the published literature in individuals affected with breast cancer in a large-scale breast cancer association study (PMID: 33471991 (2021), see also LOVD). This variant has not been reported in large, multi-ethnic general populations (Genome Aggregation Database). Analysis of this variant using bioinformatics tools for the prediction of the effect of amino acid changes on protein structure and function yielded predictions that this variant is benign. Based on the available information, we are unable to determine the clinical significance of this variant.

University of Washington Department of Laboratory Medicine, University of Washington
Classification: Likely benign for Hereditary cancer-predisposing syndrome. Last evaluated: 2023-03-23. Review status: criteria provided, single submitter. Criteria: Dines et al. (Genet Med. 2020). Collection method: curation. Allele origin: germline.
Comment: Missense variant in a coldspot region where missense variants are very unlikely to be pathogenic (PMID:31911673).

BRCA2 exon 10 coldspot. Reclassification based on statistical prior probability.

Institute for Clinical Genetics, University Hospital TU Dresden, University Hospital TU Dresden
Classification: Uncertain significance. Last evaluated: 2021-11-03. Review status: criteria provided, single submitter. Criteria: ACMG Guidelines, 2015. Collection method: clinical testing. Allele origin: germline.

Color Diagnostics, LLC DBA Color Health
Classification: Likely benign for Hereditary cancer-predisposing syndrome. Last evaluated: 2015-01-14. Review status: criteria provided, single submitter. Criteria: ACMG Guidelines, 2015. Collection method: clinical testing. Allele origin: germline.

Ambry Genetics
Classification: Benign for Hereditary cancer-predisposing syndrome. Last evaluated: 2014-11-19. Review status: criteria provided, single submitter. Criteria: Ambry Variant Classification Scheme 2023. Collection method: clinical testing. Allele origin: germline.

Counsyl
Classification: Uncertain significance for Breast-ovarian cancer, familial, susceptibility to, 2. Last evaluated: 2016-01-27. Review status: no assertion criteria provided. Collection method: clinical testing. Allele origin: unknown. Not counted in ClinVar's aggregate classification.

Breast Cancer Information Core (BIC) (BRCA2)
Classification: Uncertain significance for Breast-ovarian cancer, familial 2. Last evaluated: 2002-05-29. Review status: no assertion criteria provided. Collection method: clinical testing. Allele origin: germline. Affected: yes. Observed: 3 variant alleles. Not counted in ClinVar's aggregate classification.

Literature cited by the submitters: PubMed 33471991 (cited by Quest Diagnostics Nichols Institute San Juan Capistrano); PubMed 30212499 (cited by Quest Diagnostics Nichols Institute San Juan Capistrano); PubMed 28111427 (cited by Quest Diagnostics Nichols Institute San Juan Capistrano); PubMed 38153744 (cited by Quest Diagnostics Nichols Institute San Juan Capistrano); PubMed 36922933 (cited by Quest Diagnostics Nichols Institute San Juan Capistrano); PubMed 31484976 (cited by Quest Diagnostics Nichols Institute San Juan Capistrano); PubMed 31131967 (cited by Quest Diagnostics Nichols Institute San Juan Capistrano); PubMed 24817641 (cited by Counsyl).

NM_000059.4(BRCA2):c.1744A>G (p.Thr582Ala)

Gene: BRCA2 (BRCA2 DNA repair associated; plus strand). Cytogenetic location: 13q13.1.
Variant type: single nucleotide variant.
Coding change: c.1744A>G on transcript NM_000059.4 (MANE Select); coding-DNA position 1744, A replaced by G.
Protein change: p.Thr582Ala; replaces threonine 582 with alanine.
Molecular consequence: missense variant.
Genome position (GRCh38, 1-based): chr13:32,333,222, A>G. VCF-style: chr13-32333222-A-G. GRCh37 (hg19) VCF-style: chr13-32907359-A-G.
Other names: p.T582A:ACT>GCT; short protein forms T582A.
Identifiers: ClinVar variation 51181 (VCV000051181.65), dbSNP rs80358457, ClinGen allele CA013045.
Genomic context (GRCh38, chr13:32,333,222, plus strand): 5'-AGCTGGCCAGCCACCACCACACAGAATTCTGTAGCTTTGAAGAATGCAGGTTTAATATCC[A>G]CTTTGAAAAAGAAAACAAATAAGTTTATTTATGCTATACATGATGAAACATCTTATAAAG-3'
Protein context (NP_000050.3, residues 572-592): VALKNAGLIS[Thr582Ala]LKKKTNKFIY